The following is an entry in ClinVar:

ClinVar aggregate classification (germline): Pathogenic/Likely pathogenic. Review status: criteria provided, multiple submitters, no conflicts (2 of 4 stars). 26 submissions from 26 submitters: Pathogenic (14); Likely pathogenic (7). 5 of the submissions do not count toward it. Last evaluated 2026-01-12.

Conditions:
NPHS2-related disorder. Also called: NPHS2-related condition.
Nephrotic syndrome, type 2, susceptibility to.
Nephrotic syndrome, type 2 (NPHS2). Also called: NEPHROTIC SYNDROME, STEROID-RESISTANT, AUTOSOMAL RECESSIVE. Identifiers: Orphanet 656, MedGen C1868672, MONDO:0010974, OMIM 600995.
Steroid-resistant nephrotic syndrome. Identifiers: MedGen C0403397, MONDO:0044765, HP:0012588.

Allele frequency attached by ClinVar (database versions not stated): gnomAD exomes 0.00011 and 0.00015; ExAC 0.00008; gnomAD 0.00011 and 0.00012; ESP Exome Variant Server 0.00008; TOPMed 0.00015.
gnomAD v4.1: 239 of 1,613,552 alleles (0.015%); highest among the groups gnomAD compares: Middle Eastern, 0.066%; no homozygotes.

Submissions 1 to 15 of 26:

Variantyx, Inc.
Classification: Pathogenic for Nephrotic syndrome, type 2. Last evaluated: 2026-01-12. Review status: criteria provided, single submitter. Criteria: Variantyx Assertion Criteria 2022. Collection method: clinical testing. Allele origin: germline. Inheritance: Autosomal recessive inheritance. Affected: no.
Comment: This is a nonsynonymous variant in the NPHS2 gene (OMIM: 604766). Pathogenic variants in this gene have been associated with autosomal recessive nephrotic syndrome, type 2. This variant has been reported in the homozygous or compound heterozygous state in many unrelated affected individuals (PMID: 11805166, 21171529, 30295827, 30586318, 30647093, 22578956, 24856380, 24742477, 23242530, 36938085) (PM3). Multiple computational algorithms predict a deleterious effect for this variant (REVEL score: 0.759) (PP3). This variant has a 0.06577% maximum allele frequency in non-founder control populations (PM2). Based on the current evidence, this variant is classified as pathogenic for autosomal recessive nephrotic syndrome, type 2.

Labcorp Genetics (formerly Invitae), Labcorp
Classification: Pathogenic. Last evaluated: 2025-12-30. Review status: criteria provided, single submitter. Criteria: Invitae Variant Classification Sherloc (09022015). Collection method: clinical testing. Allele origin: germline.
Comment: This sequence change replaces valine, which is neutral and non-polar, with methionine, which is neutral and non-polar, at codon 290 of the NPHS2 protein (p.Val290Met). This variant is present in population databases (rs200482683, gnomAD 0.03%). This missense change has been observed in individual(s) with NPHS2-related disease (PMID: 11805166, 21171529, 23242530, 24856380, 30295827). In at least one individual the data is consistent with being in trans (on the opposite chromosome) from a pathogenic variant. ClinVar contains an entry for this variant (Variation ID: 126418). Invitae Evidence Modeling of protein sequence and biophysical properties (such as structural, functional, and spatial information, amino acid conservation, physicochemical variation, residue mobility, and thermodynamic stability) indicates that this missense variant is expected to disrupt NPHS2 protein function with a positive predictive value of 95%. For these reasons, this variant has been classified as Pathogenic.

PreventionGenetics, part of Exact Sciences
Classification: Pathogenic for NPHS2-related condition. Last evaluated: 2025-11-14. Review status: criteria provided, single submitter. Criteria: ACMG Guidelines, 2015. Collection method: clinical testing. Allele origin: germline.
Comment: The NPHS2 c.868G>A variant is predicted to result in the amino acid substitution p.Val290Met. This variant has been reported in the compound heterozygous and homozygous state in individuals with NPHS2-related disease (see for example - Karle et al. 2002. PubMed ID: 11805166; Skálová et al. 2010. PubMed ID: 21171529; Kerti et al. 2012. PubMed ID: 23242530; Table S7 - Groopman et al. 2018. PubMed ID: 30586318; Schapiro et al. 2019. PubMed ID: 30295827; Yao et al. 2019. PubMed ID: 30647093). This variant is reported in 0.024% of alleles in individuals of European (Non-Finnish) descent in gnomAD. This variant is interpreted as pathogenic.

3billion
Classification: Likely pathogenic for Nephrotic syndrome, type 2. Last evaluated: 2025-10-14. Review status: criteria provided, single submitter. Criteria: ACMG Guidelines, 2015. Collection method: clinical testing. Allele origin: germline. Affected: yes.
Comment: The variant is observed at an extremely low frequency in the gnomAD v4.1.0 dataset (total allele frequency: 0.015%). Predicted Consequence/Location: Missense variant In silico tool predictions suggest damaging effect of the variant on gene or gene product [REVEL: 0.76 (>=0.6, sensitivity 0.68 and specificity 0.92)]. The same nucleotide change resulting in the same amino acid change has been previously reported as pathogenic/likely pathogenic with strong evidence (ClinVar ID: VCV000126418 /PMID: 11805166). Therefore, this variant is classified as Likely pathogenic according to the recommendation of ACMG/AMP guideline.

GeneDx
Classification: Pathogenic. Last evaluated: 2025-09-18. Review status: criteria provided, single submitter. Criteria: GeneDx Variant Classification Process June 2021. Collection method: clinical testing. Allele origin: germline. Affected: yes.
Comment: In silico analysis suggests that this missense variant does not alter protein structure/function; This variant is associated with the following publications: (PMID: 34426522, 31589614, 21171529, 33565430, 11805166, 26211502, 24742477, 30295827, 31980526, 30647093, 24856380, 23645318, 23242530, 18216321, 17899208, 14978175, Smirnova2023[abstract], 32129207, 36938085, 30586318, 38170106, 36898413, 40225918, 39273284, 38547852)

Natera, Inc.
Classification: Pathogenic for Steroid-resistant nephrotic syndrome. Last evaluated: 2025-08-20. Review status: criteria provided, single submitter. Criteria: Natera Variant Classification Schema (03/2026). Collection method: clinical testing. Allele origin: germline.
Comment: The c.868G>A variant in NPHS2 is a missense variant predicted to cause substitution of valine to methionine at amino acid 290. This variant is rare in the general population with a frequency below the threshold expected for the associated phenotype(s). This variant has been observed in one or more individuals affected with the associated recessive disease, as either homozygous or compound heterozygous with a second variant (PMID: 25349199). Computational prediction algorithms indicate this variant is likely to affect gene or protein function. Given the available evidence, this variant is classified as Pathogenic.

Dasa
Classification: Likely pathogenic. Last evaluated: 2025-08-18. Review status: criteria provided, single submitter. Criteria: DASA Assertion Criteria. Collection method: clinical testing. Allele origin: germline.
Comment: NM_014625.4(NPHS2):c.868G>A (p.Val290Met) is a missense variant that results in the substitution of valine with methionine. Segregation data support an association with disease in the reported family/families. This variant has been observed in affected individuals with NPHS2-related disorders. This variant has been reported as a risk allele associated with related phenotype (PMID: 11805166; PMID: 21171529; PMID: 23242530; PMID: 24856380; PMID: 30295827). Also, this variant is rare in population databases. Computational evidence supports a deleterious effect. Based on the currently available evidence, this variant is classified as likely pathogenic.

Blueprint Genetics
Classification: Pathogenic for NPHS2-related disorders. Last evaluated: 2024-11-21. Review status: criteria provided, single submitter. Criteria: ACMG Guidelines, 2015. Collection method: clinical testing. Allele origin: germline. Affected: yes. Observed: 5 variant alleles.

Institute of Human Genetics, University of Leipzig Medical Center
Classification: Pathogenic for Nephrotic syndrome, type 2. Last evaluated: 2024-10-30. Review status: criteria provided, single submitter. Criteria: ACMG Guidelines, 2015. Collection method: clinical testing. Allele origin: unknown. Inheritance: Autosomal recessive inheritance. Affected: yes.
Comment: Criteria applied: PM3_VSTR,PM2,PP3; Identified as compound heterozygous with NM_014625.4:c.948del

Laboratory of Medical Genetics, National & Kapodistrian University of Athens
Classification: Pathogenic for Nephrotic syndrome, type 2. Last evaluated: 2024-04-15. Review status: criteria provided, single submitter. Criteria: ACMG Guidelines, 2015. Collection method: clinical testing. Allele origin: germline. Affected: yes.
Comment: PS4, PM1, PM2, PP3, PP5- The variant has been reported in ClinVar as Pathogenic by other laboratories (Variation ID: 126418). Low frequency in gnomAD population databases. It has been previously reported as causative for steroid-resistant nephrotic syndrome (PMID: 11805166, 21171529)

Baylor Genetics
Classification: Pathogenic for Nephrotic syndrome, type 2. Last evaluated: 2024-03-27. Review status: criteria provided, single submitter. Criteria: ACMG Guidelines, 2015. Collection method: clinical testing. Allele origin: unknown.

Department of Human Genetics, Hannover Medical School
Classification: Likely pathogenic for Nephrotic syndrome, type 2. Last evaluated: 2023-08-23. Review status: criteria provided, single submitter. Criteria: ACMG Guidelines, 2015. Collection method: clinical testing. Allele origin: germline. Inheritance: Autosomal recessive inheritance. Affected: yes.

Department of Pathology and Laboratory Medicine, Sinai Health System
Classification: Pathogenic for Nephrotic syndrome, type 2. Last evaluated: 2023-07-17. Review status: criteria provided, single submitter. Criteria: ACMG Guidelines, 2015. Collection method: research. Allele origin: germline.

Revvity Omics, Revvity
Classification: Likely pathogenic for Nephrotic syndrome, type 2. Last evaluated: 2022-01-27. Review status: criteria provided, single submitter. Criteria: ACMG Guidelines, 2015. Collection method: clinical testing. Allele origin: germline.

CeGaT Center for Human Genetics Tuebingen
Classification: Pathogenic. Last evaluated: 2020-12-01. Review status: criteria provided, single submitter. Criteria: CeGaT Center For Human Genetics Tuebingen Variant Classification Criteria Version 2. Collection method: clinical testing. Allele origin: germline. Affected: yes. Observed: 3 variant alleles.

NM_014625.4(NPHS2):c.868G>A (p.Val290Met)

Genes: AXDND1 (axonemal dynein light chain domain containing 1; plus strand), NPHS2 (NPHS2 stomatin family member, podocin; minus strand). Cytogenetic location: 1q25.2.
Variant type: single nucleotide variant.
Coding change: c.868G>A on transcript NM_014625.4 (MANE Select); coding-DNA position 868, G replaced by A.
Protein change: p.Val290Met; replaces valine 290 with methionine.
Molecular consequence: missense variant. On other transcripts: intron variant (1).
Genome position (GRCh38, 1-based): chr1:179,552,608, C>T on the plus strand (G>A on the coding strand, the complement: NPHS2 is on the minus strand). VCF-style: chr1-179552608-C-T. GRCh37 (hg19) VCF-style: chr1-179521743-C-T.
Other names: c.664G>A, p.Val222Met (NM_001297575.2); c.3032-1904C>T (NM_144696.6); short protein forms V290M, V222M.
Identifiers: ClinVar variation 126418 (VCV000126418.81), dbSNP rs200482683, ClinGen allele CA151130.